The following is an entry in ClinVar:

ClinVar aggregate classification (germline): Conflicting classifications of pathogenicity. Review status: criteria provided, conflicting classifications (1 of 4 stars). 3 submissions from 3 submitters: Uncertain significance (1); Likely benign (1). 1 of the submissions does not count toward it. Last evaluated 2023-09-26.

Conditions:
Inborn genetic diseases. Identifiers: MedGen C0950123, MeSH D030342.
MHC class II deficiency. Also called: Bare lymphocyte syndrome 2; BLS, TYPE II. Identifiers: Orphanet 572, MedGen C5447452, MONDO:0008855.

Allele frequency attached by ClinVar (database versions not stated): TOPMed 0.00005; gnomAD 0.00006 and 0.00005; ExAC 0.00002; gnomAD exomes 0.00002.
gnomAD v4.1: 35 of 1,613,356 alleles (0.0022%); highest among the groups gnomAD compares: Admixed American, 0.005%; no homozygotes.

Submissions (3):

Ambry Genetics
Classification: Likely benign for Inborn genetic diseases. Last evaluated: 2023-09-26. Review status: criteria provided, single submitter. Criteria: Ambry Variant Classification Scheme 2023. Collection method: clinical testing. Allele origin: germline.

Labcorp Genetics (formerly Invitae), Labcorp
Classification: Uncertain significance for MHC class II deficiency. Last evaluated: 2022-10-03. Review status: criteria provided, single submitter. Criteria: Invitae Variant Classification Sherloc (09022015). Collection method: clinical testing. Allele origin: germline.
Comment: This sequence change replaces arginine, which is basic and polar, with glutamine, which is neutral and polar, at codon 601 of the CIITA protein (p.Arg601Gln). This variant is present in population databases (rs753947354, gnomAD 0.006%). This variant has not been reported in the literature in individuals affected with CIITA-related conditions. ClinVar contains an entry for this variant (Variation ID: 970724). Algorithms developed to predict the effect of missense changes on protein structure and function output the following: SIFT: "Tolerated"; PolyPhen-2: "Benign"; Align-GVGD: "Class C0". The glutamine amino acid residue is found in multiple mammalian species, which suggests that this missense change does not adversely affect protein function. Algorithms developed to predict the effect of sequence changes on RNA splicing suggest that this variant may create or strengthen a splice site. In summary, the available evidence is currently insufficient to determine the role of this variant in disease. Therefore, it has been classified as a Variant of Uncertain Significance.

Natera, Inc.
Classification: Uncertain significance for Bare lymphocyte syndrome type II. Last evaluated: 2020-02-25. Review status: no assertion criteria provided. Collection method: clinical testing. Allele origin: germline. Not counted in ClinVar's aggregate classification.

NM_000246.4(CIITA):c.1802G>A (p.Arg601Gln)

Gene: CIITA (class II major histocompatibility complex transactivator; plus strand). Cytogenetic location: 16p13.13.
Variant type: single nucleotide variant.
Coding change: c.1802G>A on transcript NM_000246.4 (MANE Select); coding-DNA position 1802, G replaced by A.
Protein change: p.Arg601Gln; replaces arginine 601 with glutamine.
Molecular consequence: missense variant. On other transcripts: intron variant (1).
Genome position (GRCh38, 1-based): chr16:10,907,294, G>A. VCF-style: chr16-10907294-G-A. GRCh37 (hg19) VCF-style: chr16-11001151-G-A.
Other names: c.1805G>A, p.Arg602Gln (NM_001286402.1, NM_001379332.1); c.1658G>A, p.Arg553Gln (NM_001379330.1); c.1655G>A, p.Arg552Gln (NM_001379331.1); c.1802G>A, p.Arg601Gln (NM_001379333.1); c.1733G>A, p.Arg578Gln (NM_001379334.1); c.860-1689G>A (NM_001286403.2); short protein forms R552Q, R553Q, R578Q, R601Q, R602Q.
Identifiers: ClinVar variation 970724 (VCV000970724.8), dbSNP rs753947354, ClinGen allele CA7900224.